The following is an entry in ClinVar:

NM_001376.5(DYNC1H1):c.11752G>A (p.Ala3918Thr)

Gene: DYNC1H1 (dynein cytoplasmic 1 heavy chain 1; plus strand). Cytogenetic location: 14q32.31.
Variant type: single nucleotide variant.
Coding change: c.11752G>A on transcript NM_001376.5 (MANE Select); coding-DNA position 11752, G replaced by A.
Protein change: p.Ala3918Thr; replaces alanine 3918 with threonine.
Molecular consequence: missense variant.
Genome position (GRCh38, 1-based): chr14:102,040,297, G>A. VCF-style: chr14-102040297-G-A. GRCh37 (hg19) VCF-style: chr14-102506634-G-A.
Other names: short protein forms A3918T.
Identifiers: ClinVar variation 1359655 (VCV001359655.8), dbSNP rs2048631708, ClinGen allele CA391036609.
Genomic context (GRCh38, chr14:102,040,297, plus strand): 5'-GAGCCCACCTACGATGCAGAATTCCAGCACTTCTTGAGAGGAAATGAGATTGTCCTGAGT[G>A]CTGGCTCCACCCCCAGGATCCAGGGCCTGACTGTGGAGCAGGCGGAGGCGGTGGTGAGGC-3'
Protein context (NP_001367.2, residues 3908-3928): FLRGNEIVLS[Ala3918Thr]GSTPRIQGLT

ClinVar aggregate classification (germline): Uncertain significance (1 of 4 stars; one submission).

Conditions:
Charcot-Marie-Tooth disease axonal type 2O. Also called: CHARCOT-MARIE-TOOTH NEUROPATHY, AXONAL, TYPE 2O; CHARCOT-MARIE-TOOTH DISEASE, AXONAL, AUTOSOMAL DOMINANT, TYPE 2O; Charcot-Marie-Tooth disease, axonal, type 20; Charcot-Marie-Tooth Neuropathy Type 2O. Identifiers: Orphanet 284232, MedGen C3280220, MONDO:0013644, OMIM 614228.

Allele frequency attached by ClinVar (database versions not stated): TOPMed 0.00001.

Submission:

Labcorp Genetics (formerly Invitae), Labcorp
Classification: Uncertain significance for Charcot-Marie-Tooth disease axonal type 2O. Last evaluated: 2025-03-10. Review status: criteria provided, single submitter. Criteria: Invitae Variant Classification Sherloc (09022015). Collection method: clinical testing. Allele origin: germline.
Comment: This sequence change replaces alanine, which is neutral and non-polar, with threonine, which is neutral and polar, at codon 3918 of the DYNC1H1 protein (p.Ala3918Thr). This variant is not present in population databases (gnomAD no frequency). This variant has not been reported in the literature in individuals affected with DYNC1H1-related conditions. ClinVar contains an entry for this variant (Variation ID: 1359655). Invitae Evidence Modeling of protein sequence and biophysical properties (such as structural, functional, and spatial information, amino acid conservation, physicochemical variation, residue mobility, and thermodynamic stability) indicates that this missense variant is not expected to disrupt DYNC1H1 protein function with a negative predictive value of 95%. In summary, the available evidence is currently insufficient to determine the role of this variant in disease. Therefore, it has been classified as a Variant of Uncertain Significance.